The following is an entry in ClinVar:

NM_014112.5(TRPS1):c.1512_1522del (p.Glu504fs)

Gene: TRPS1 (transcriptional repressor GATA binding 1; minus strand). Cytogenetic location: 8q23.3.
Variant type: Deletion.
Coding change: c.1512_1522del on transcript NM_014112.5 (MANE Select); coding-DNA positions 1512 to 1522, 11 bases deleted (AGGAGAGACAA).
Protein change: p.Glu504fs; shifts the reading frame from glutamic acid 504.
Molecular consequence: frameshift variant.
Genome position (GRCh38, 1-based): chr8:115,604,447-115,604,457, TTGTCTCTCCT deleted on the plus strand (AGGAGAGACAA on the coding strand, the reverse complement: TRPS1 is on the minus strand); deleting any 11 consecutive bases within chr8:115,604,447-115,604,458 gives the same sequence; the c. name uses the placement nearest the transcript's 3' end. VCF-style (leftmost placement, unchanged base first): chr8-115604446-ATTGTCTCTCCT-A. GRCh37 (hg19) VCF-style: chr8-116616673-ATTGTCTCTCCT-A.
Other names: c.1485_1495del, p.Glu495fs (NM_001282902.3); c.1491_1501del, p.Glu497fs (NM_001282903.3); c.1473_1483del, p.Glu491fs (NM_001330599.2); short protein forms E497fs, E491fs, E495fs, E504fs.
Identifiers: ClinVar variation 2947782 (VCV002947782.3), dbSNP rs2536890328, ClinGen allele CA2740095126.

ClinVar aggregate classification (germline): Pathogenic (1 of 4 stars; one submission).

Conditions:
Trichorhinophalangeal dysplasia type I (TRPS1). Also called: TRICHORHINOPHALANGEAL SYNDROME, TYPE I; TRPS I. Identifiers: Orphanet 77258, MedGen C0432233, MONDO:0008596, OMIM 190350.
Trichorhinophalangeal syndrome, type III (TRPS3). Also called: SUGIO-KAJII SYNDROME. Identifiers: Orphanet 77258, MedGen C1860823, OMIM 190351, MONDO:0008597.

Submission:

Labcorp Genetics (formerly Invitae), Labcorp
Classification: Pathogenic for Trichorhinophalangeal syndrome, type III; Trichorhinophalangeal dysplasia type I. Last evaluated: 2023-05-15. Review status: criteria provided, single submitter. Criteria: Invitae Variant Classification Sherloc (09022015). Collection method: clinical testing. Allele origin: germline.
Comment: For these reasons, this variant has been classified as Pathogenic. This variant has not been reported in the literature in individuals affected with TRPS1-related conditions. This variant is not present in population databases (gnomAD no frequency). This sequence change creates a premature translational stop signal (p.Glu504Aspfs*12) in the TRPS1 gene. It is expected to result in an absent or disrupted protein product. Loss-of-function variants in TRPS1 are known to be pathogenic (PMID: 11112658).

Literature cited by the submitters: PubMed 11112658.